The following is an entry in ClinVar:

NM_182493.3(MYLK3):c.1570G>A (p.Gly524Ser)

Gene: MYLK3 (myosin light chain kinase 3; minus strand). Cytogenetic location: 16q11.2.
Variant type: single nucleotide variant.
Coding change: c.1570G>A on transcript NM_182493.3 (MANE Select); coding-DNA position 1570, G replaced by A.
Protein change: p.Gly524Ser; replaces glycine 524 with serine.
Molecular consequence: missense variant.
Genome position (GRCh38, 1-based): chr16:46,729,686, C>T on the plus strand (G>A on the coding strand, the complement: MYLK3 is on the minus strand). VCF-style: chr16-46729686-C-T. GRCh37 (hg19) VCF-style: chr16-46763598-C-T.
Other names: c.547G>A, p.Gly183Ser (NM_001308301.1); short protein forms G183S, G524S.
Identifiers: ClinVar variation 3000061 (VCV003000061.3), dbSNP rs774666158, ClinGen allele CA8037918.

ClinVar aggregate classification (germline): Uncertain significance (1 of 4 stars; one submission).

Allele frequency attached by ClinVar (database versions not stated): gnomAD exomes below 0.00001; ExAC 0.00001.
gnomAD v4.1: 2 of 1,613,538 alleles (0.00012%); highest among the groups gnomAD compares: Non-Finnish European, 0.00017%; no homozygotes.

Submission:

Labcorp Genetics (formerly Invitae), Labcorp
Classification: Uncertain significance. Last evaluated: 2024-11-27. Review status: criteria provided, single submitter. Criteria: Invitae Variant Classification Sherloc (09022015). Collection method: clinical testing. Allele origin: germline.
Comment: This sequence change replaces glycine, which is neutral and non-polar, with serine, which is neutral and polar, at codon 524 of the MYLK3 protein (p.Gly524Ser). This variant is present in population databases (rs774666158, gnomAD 0.0009%). This variant has not been reported in the literature in individuals affected with MYLK3-related conditions. ClinVar contains an entry for this variant (Variation ID: 3000061). An algorithm developed to predict the effect of missense changes on protein structure and function (PolyPhen-2) suggests that this variant is likely to be disruptive. In summary, the available evidence is currently insufficient to determine the role of this variant in disease. Therefore, it has been classified as a Variant of Uncertain Significance.